The following is an entry in ClinVar:

ClinVar aggregate classification (germline): Uncertain significance (1 of 4 stars; one submission).

gnomAD v4.1: 4 of 1,613,744 alleles (0.00025%); highest among the groups gnomAD compares: Non-Finnish European, 0.00034%; no homozygotes.

Submission:

Ambry Genetics
Classification: Uncertain significance. Last evaluated: 2026-02-15. Review status: criteria provided, single submitter. Criteria: Ambry Variant Classification Scheme 2023. Collection method: clinical testing. Allele origin: germline.
Comment: The p.A760S variant (also known as c.2278G>T), located in coding exon 13 of the PKP4 gene, results from a G to T substitution at nucleotide position 2278. The alanine at codon 760 is replaced by serine, an amino acid with similar properties. This amino acid position is conserved. In addition, this alteration is predicted to be tolerated by in silico analysis. Based on the available evidence, the clinical significance of this variant remains unclear.

NM_003628.6(PKP4):c.2278G>T (p.Ala760Ser)

Genes: PKP4 (plakophilin 4; plus strand), PKP4-AS1 (PKP4 antisense RNA 1; minus strand). Cytogenetic location: 2q24.1.
Variant type: single nucleotide variant.
Coding change: c.2278G>T on transcript NM_003628.6 (MANE Select); coding-DNA position 2278, G replaced by T.
Protein change: p.Ala760Ser; replaces alanine 760 with serine.
Molecular consequence: missense variant.
Genome position (GRCh38, 1-based): chr2:158,662,963, G>T. VCF-style: chr2-158662963-G-T. GRCh37 (hg19) VCF-style: chr2-159519475-G-T.
Other names: c.2278G>T, p.Ala760Ser (NM_001005476.4, NM_001304971.2, NM_001377218.1 and 1 more transcripts); c.2275G>T, p.Ala759Ser (NM_001304969.3, NM_001377219.1, NM_001377220.1 and 2 more transcripts); c.1249G>T, p.Ala417Ser (NM_001304970.3); c.2272G>T, p.Ala758Ser (NM_001377222.1, NM_001377223.1); c.2269G>T, p.Ala757Ser (NM_001377224.1); short protein forms A758S, A417S, A757S, A759S, A760S.
Identifiers: ClinVar variation 4844318 (VCV004844318.1).